The following is an entry in ClinVar:

NM_002439.5(MSH3):c.1028-2A>G

Gene: MSH3 (mutS homolog 3; plus strand). Cytogenetic location: 5q14.1.
Variant type: single nucleotide variant.
Coding change: c.1028-2A>G on transcript NM_002439.5 (MANE Select); the canonical splice acceptor site of the intron before coding-DNA position 1028, A replaced by G.
Molecular consequence: splice acceptor variant.
Genome position (GRCh38, 1-based): chr5:80,674,981, A>G. VCF-style: chr5-80674981-A-G. GRCh37 (hg19) VCF-style: chr5-79970800-A-G.
Identifiers: ClinVar variation 2451041 (VCV002451041.5), dbSNP rs1749805306, ClinGen allele CA360267801.

ClinVar aggregate classification (germline): Uncertain significance. Review status: criteria provided, multiple submitters, no conflicts (2 of 4 stars). 2 submissions from 2 submitters: Uncertain significance (2). Last evaluated 2023-09-14.

Conditions:
Hereditary cancer-predisposing syndrome. Also called: Neoplastic Syndromes, Hereditary; Tumor predisposition; Hereditary neoplastic syndrome; Hereditary Cancer Syndrome. Identifiers: Orphanet 140162, MedGen C0027672, MeSH D009386, MONDO:0015356.

Allele frequency attached by ClinVar (database versions not stated): gnomAD exomes below 0.00001.
gnomAD v4.1: 1 of 1,591,330 alleles (0.000063%); highest among the groups gnomAD compares: Non-Finnish European, 0.000086%; no homozygotes.

Submissions (2):

Labcorp Genetics (formerly Invitae), Labcorp
Classification: Uncertain significance. Last evaluated: 2023-09-14. Review status: criteria provided, single submitter. Criteria: Invitae Variant Classification Sherloc (09022015). Collection method: clinical testing. Allele origin: germline.
Comment: In summary, the available evidence is currently insufficient to determine the role of this variant in disease. Therefore, it has been classified as a Variant of Uncertain Significance. Variants that disrupt the consensus splice site are a relatively common cause of aberrant splicing (PMID: 17576681, 9536098). Experimental studies and prediction algorithms are not available or were not evaluated, and the effect of this variant on mRNA splicing is currently unknown. ClinVar contains an entry for this variant (Variation ID: 2451041). This variant has not been reported in the literature in individuals affected with MSH3-related conditions. This variant is not present in population databases (gnomAD no frequency). This sequence change falls in intron 6 of the MSH3 gene. It does not directly change the encoded amino acid sequence of the MSH3 protein. It affects a nucleotide within the consensus splice site.

Ambry Genetics
Classification: Uncertain significance for Hereditary cancer-predisposing syndrome. Last evaluated: 2022-12-02. Review status: criteria provided, single submitter. Criteria: Ambry Variant Classification Scheme 2023. Collection method: clinical testing. Allele origin: germline.
Comment: The c.1028-2A>G intronic variant results from an A to G substitution two nucleotides upstream from coding exon 7 in the MSH3 gene. This nucleotide position is highly conserved in available vertebrate species. This alteration is located within a U12-type intron and in silico tools are not reliable predictors of splice sites in this type of intron. Alterations that disrupt the canonical splice site are expected to cause aberrant splicing, resulting in an abnormal protein or a transcript that is subject to nonsense-mediated mRNA decay; however direct evidence is unavailable. The exact functional effect of the altered amino acid sequence is unknown. Since supporting evidence is limited at this time, the clinical significance of this alteration remains unclear.

Literature cited by the submitters: PubMed 17576681 (cited by Labcorp Genetics (formerly Invitae), Labcorp); PubMed 9536098 (cited by Labcorp Genetics (formerly Invitae), Labcorp).